The following is an entry in ClinVar:

ClinVar aggregate classification (germline): Uncertain significance (1 of 4 stars; one submission).

Conditions:
Leber congenital amaurosis 14 (LCA14). Identifiers: MedGen C2750063, MONDO:0013231, OMIM 613341.
Retinitis pigmentosa (RP). Identifiers: Orphanet 791, MedGen C0035334, MeSH D012174, MONDO:0019200, OMIM 268000. Inheritance: Autosomal dominant, autosomal recessive and X linked inheritance.

Submission:

Labcorp Genetics (formerly Invitae), Labcorp
Classification: Uncertain significance. Last evaluated: 2022-06-27. Review status: criteria provided, single submitter. Criteria: Invitae Variant Classification Sherloc (09022015). Collection method: clinical testing. Allele origin: germline.
Comment: This variant, c.304_306del, results in the deletion of 1 amino acid(s) of the LRAT protein (p.Ile102del), but otherwise preserves the integrity of the reading frame. This variant is present in population databases (no rsID available, gnomAD 0.0009%). This variant has been observed in individual(s) with retinitis pigmentosa (Invitae). In at least one individual the data is consistent with being in trans (on the opposite chromosome) from a pathogenic variant. Experimental studies and prediction algorithms are not available or were not evaluated, and the functional significance of this variant is currently unknown. In summary, the available evidence is currently insufficient to determine the role of this variant in disease. Therefore, it has been classified as a Variant of Uncertain Significance.

NM_004744.5(LRAT):c.304_306del (p.Ile102del)

Gene: LRAT (lecithin retinol acyltransferase; plus strand). Cytogenetic location: 4q32.1.
Variant type: Deletion.
Coding change: c.304_306del on transcript NM_004744.5 (MANE Select); coding-DNA positions 304 to 306, 3 bases deleted (ATT; older notation c.304_306delATT).
Protein change: p.Ile102del; deletes isoleucine 102.
Molecular consequence: inframe deletion.
Genome position (GRCh38, 1-based): chr4:154,744,630-154,744,632, ATT deleted; deleting any 3 consecutive bases within chr4:154,744,628-154,744,632 gives the same sequence; the c. name uses the placement nearest the transcript's 3' end. VCF-style (leftmost placement, unchanged base first): chr4-154744627-GTTA-G. GRCh37 (hg19) VCF-style: chr4-155665779-GTTA-G.
Other names: c.304_306del, p.Ile102del (NM_001301645.2); c.304_306del (NM_004744.4); short protein forms I102del.
Identifiers: ClinVar variation 1494001 (VCV001494001.4), dbSNP rs1169173848, ClinGen allele CA555973799.